The following is an entry in ClinVar:

NM_003803.4(MYOM1):c.599_634dup (p.Ser211_Arg212insLysGlnSerThrAlaSerLysGlnSerThrAlaSer)

Gene: MYOM1 (myomesin 1; minus strand). Cytogenetic location: 18p11.31.
Variant type: Duplication.
Coding change: c.599_634dup on transcript NM_003803.4 (MANE Select); coding-DNA positions 599 to 634, 36 bases duplicated.
Protein change: p.Ser211_Arg212insLysGlnSerThrAlaSerLysGlnSerThrAlaSer.
Molecular consequence: inframe insertion.
Genome position (GRCh38, 1-based): chr18:3,188,885-3,188,920, 36 bases duplicated; duplicating any 36 consecutive bases within chr18:3,188,885-3,188,939 gives the same sequence; the c. name uses the placement nearest the transcript's 3' end. GRCh37 (hg19): chr18:3,188,902-3,188,937.
Other names: c.599_634dup, p.Ser211_Arg212insLysGlnSerThrAlaSerLysGlnSerThrAlaSer (NM_019856.2).
Identifiers: ClinVar variation 2156779 (VCV002156779.4), dbSNP rs777649711, ClinGen allele CA8875190.

ClinVar aggregate classification (germline): Uncertain significance (1 of 4 stars; one submission).

Conditions:
Hypertrophic cardiomyopathy. Also called: HYPERTROPHIC MYOCARDIOPATHY. Identifiers: Orphanet 217569, MedGen C0007194, MeSH D002312, MONDO:0005045, HP:0001639.

Submission:

Labcorp Genetics (formerly Invitae), Labcorp
Classification: Uncertain significance for Hypertrophic cardiomyopathy. Last evaluated: 2022-01-21. Review status: criteria provided, single submitter. Criteria: Invitae Variant Classification Sherloc (09022015). Collection method: clinical testing. Allele origin: germline.
Comment: This variant, c.599_634dup, results in the insertion of 12 amino acid(s) of the MYOM1 protein (p.Lys200_Ser211dup), but otherwise preserves the integrity of the reading frame. This variant is not present in population databases (gnomAD no frequency). This variant has not been reported in the literature in individuals affected with MYOM1-related conditions. In summary, the available evidence is currently insufficient to determine the role of this variant in disease. Therefore, it has been classified as a Variant of Uncertain Significance.